The following is an entry in ClinVar:

NM_001369.3(DNAH5):c.265G>A (p.Glu89Lys)

Gene: DNAH5 (dynein axonemal heavy chain 5; minus strand). Cytogenetic location: 5p15.2.
Variant type: single nucleotide variant.
Coding change: c.265G>A on transcript NM_001369.3 (MANE Select); coding-DNA position 265, G replaced by A.
Protein change: p.Glu89Lys; replaces glutamic acid 89 with lysine.
Molecular consequence: missense variant.
Genome position (GRCh38, 1-based): chr5:13,928,106, C>T on the plus strand (G>A on the coding strand, the complement: DNAH5 is on the minus strand). VCF-style: chr5-13928106-C-T. GRCh37 (hg19) VCF-style: chr5-13928215-C-T.
Other names: short protein forms E89K.
Identifiers: ClinVar variation 1794432 (VCV001794432.2), dbSNP rs1346326284, ClinGen allele CA359226691.

ClinVar aggregate classification (germline): Uncertain significance (1 of 4 stars; one submission).

Conditions:
Primary ciliary dyskinesia. Also called: Ciliary dyskinesia. Identifiers: Orphanet 244, MedGen C0008780, MONDO:0016575, HP:0012265.

Allele frequency attached by ClinVar (database versions not stated): TOPMed below 0.00001; gnomAD 0.00001.
gnomAD v4.1: 1 of 1,613,272 alleles (0.000062%); highest among the groups gnomAD compares: Non-Finnish European, 0.000085%; no homozygotes.

Submission:

Ambry Genetics
Classification: Uncertain significance for Primary ciliary dyskinesia. Last evaluated: 2018-12-26. Review status: criteria provided, single submitter. Criteria: Ambry Variant Classification Scheme 2023. Collection method: clinical testing. Allele origin: germline.
Comment: The p.E89K variant (also known as c.265G>A), located in coding exon 3 of the DNAH5 gene, results from a G to A substitution at nucleotide position 265. The glutamic acid at codon 89 is replaced by lysine, an amino acid with similar properties. This amino acid position is poorly conserved in available vertebrate species. In addition, this alteration is predicted to be tolerated by in silico analysis. Since supporting evidence is limited at this time, the clinical significance of this alteration remains unclear.